The following is an entry in ClinVar:

NM_000051.4(ATM):c.8671+2dup

Genes: C11orf65 (chromosome 11 open reading frame 65; minus strand), ATM (ATM serine/threonine kinase; plus strand). Cytogenetic location: 11q22.3.
Variant type: Duplication.
Coding change: c.8671+2dup on transcript NM_000051.4 (MANE Select); the canonical splice donor site of the intron after coding-DNA position 8671, one base duplicated (T; older notation c.8671+2dupT).
Molecular consequence: splice donor variant. On other transcripts: intron variant (2).
Genome position (GRCh38, 1-based): chr11:108,347,367, T duplicated. VCF-style (leftmost placement, unchanged base first): chr11-108347366-G-GT. GRCh37 (hg19) VCF-style: chr11-108218093-G-GT.
Other names: c.8671+2dupT (NM_000051.3); c.8671+2dup (NM_001351834.2); c.641-38296dup (NM_001330368.2); c.695-12075dup (NM_001351110.2).
Identifiers: ClinVar variation 524283 (VCV000524283.8), dbSNP rs1555139698, ClinGen allele CA658797768.

ClinVar aggregate classification (germline): Uncertain significance (1 of 4 stars; one submission).

Conditions:
Ataxia-telangiectasia syndrome (AT). Also called: Cerebello-oculocutaneous telangiectasia; Immunodeficiency with ataxia telangiectasia; Ataxia-telangiectasia, complementation group E; Ataxia-telangiectasia, complementation group D; AT, COMPLEMENTATION GROUP C; ATAXIA-TELANGIECTASIA, COMPLEMENTATION GROUP A. Identifiers: Orphanet 100, MedGen C0004135, MONDO:0008840, OMIM 208900.

Submission:

Labcorp Genetics (formerly Invitae), Labcorp
Classification: Uncertain significance for Ataxia-telangiectasia syndrome. Last evaluated: 2017-10-16. Review status: criteria provided, single submitter. Criteria: Invitae Variant Classification Sherloc (09022015). Collection method: clinical testing. Allele origin: germline.
Comment: This sequence change falls in intron 59 of the ATM gene. It does not directly change the encoded amino acid sequence of the ATM protein, but it affects a nucleotide within the consensus splice site of the intron. This variant is not present in population databases (ExAC no frequency). This variant has not been reported in the literature in individuals with ATM-related disease. Nucleotide substitutions within the consensus splice site are a relatively common cause of aberrant splicing (PMID: 17576681, 9536098). Algorithms developed to predict the effect of sequence changes on RNA splicing suggest that this variant may disrupt the consensus splice site, but this prediction has not been confirmed by published transcriptional studies. In summary, the available evidence is currently insufficient to determine the role of this variant in disease. Therefore, it has been classified as a Variant of Uncertain Significance.

Literature cited by the submitters: PubMed 17576681; PubMed 9536098.